The following is an entry in ClinVar:

NM_001378454.1(ALMS1):c.5372C>A (p.Pro1791Gln)

Gene: ALMS1 (ALMS1 centrosome and basal body associated protein; plus strand). Cytogenetic location: 2p13.1.
Variant type: single nucleotide variant.
Coding change: c.5372C>A on transcript NM_001378454.1 (MANE Select); coding-DNA position 5372, C replaced by A.
Protein change: p.Pro1791Gln; replaces proline 1791 with glutamine.
Molecular consequence: missense variant.
Genome position (GRCh38, 1-based): chr2:73,451,899, C>A. VCF-style: chr2-73451899-C-A. GRCh37 (hg19) VCF-style: chr2-73679026-C-A.
Other names: c.5375C>A, p.Pro1792Gln (NM_015120.4); short protein forms P1791Q, P1792Q.
Identifiers: ClinVar variation 2626198 (VCV002626198.2), dbSNP rs1311242182, ClinGen allele CA347281141.

ClinVar aggregate classification (germline): Uncertain significance (1 of 4 stars; one submission).

Conditions:
Cardiovascular phenotype. Identifiers: MedGen CN230736.

Allele frequency attached by ClinVar (database versions not stated): gnomAD exomes below 0.00001; TOPMed below 0.00001.
gnomAD v4.1: 2 of 1,614,036 alleles (0.00012%); highest among the groups gnomAD compares: East Asian, 0.0022%; no homozygotes.

Submission:

Ambry Genetics
Classification: Uncertain significance for Cardiovascular phenotype. Last evaluated: 2023-08-11. Review status: criteria provided, single submitter. Criteria: Ambry Variant Classification Scheme 2023. Collection method: clinical testing. Allele origin: germline.
Comment: The p.P1792Q variant (also known as c.5375C>A), located in coding exon 8 of the ALMS1 gene, results from a C to A substitution at nucleotide position 5375. The proline at codon 1792 is replaced by glutamine, an amino acid with similar properties. This amino acid position is not well conserved in available vertebrate species. In addition, this alteration is predicted to be tolerated by in silico analysis. Since supporting evidence is limited at this time, the clinical significance of this alteration remains unclear.